The following is an entry in ClinVar:

ClinVar aggregate classification (germline): Uncertain significance (1 of 4 stars; one submission).

Allele frequency attached by ClinVar (database versions not stated): TOPMed below 0.00001; gnomAD 0.00001.

Submission:

Labcorp Genetics (formerly Invitae), Labcorp
Classification: Uncertain significance. Last evaluated: 2021-07-07. Review status: criteria provided, single submitter. Criteria: Invitae Variant Classification Sherloc (09022015). Collection method: clinical testing. Allele origin: germline.
Comment: This sequence change replaces glycine with glutamic acid at codon 2920 of the COL7A1 protein (p.Gly2920Glu). The glycine residue is moderately conserved and there is a moderate physicochemical difference between glycine and glutamic acid. This variant is not present in population databases (ExAC no frequency). This variant has not been reported in the literature in individuals affected with COL7A1-related conditions. Advanced modeling of protein sequence and biophysical properties (such as structural, functional, and spatial information, amino acid conservation, physicochemical variation, residue mobility, and thermodynamic stability) performed at Invitae indicates that this missense variant is not expected to disrupt COL7A1 protein function. In summary, the available evidence is currently insufficient to determine the role of this variant in disease. Therefore, it has been classified as a Variant of Uncertain Significance.

NM_000094.4(COL7A1):c.8759G>A (p.Gly2920Glu)

Gene: COL7A1 (collagen type VII alpha 1 chain; minus strand). Cytogenetic location: 3p21.31.
Variant type: single nucleotide variant.
Coding change: c.8759G>A on transcript NM_000094.4 (MANE Select); coding-DNA position 8759, G replaced by A.
Protein change: p.Gly2920Glu; replaces glycine 2920 with glutamic acid.
Molecular consequence: missense variant.
Genome position (GRCh38, 1-based): chr3:48,564,842, C>T on the plus strand (G>A on the coding strand, the complement: COL7A1 is on the minus strand). VCF-style: chr3-48564842-C-T. GRCh37 (hg19) VCF-style: chr3-48602275-C-T.
Other names: short protein forms G2920E.
Identifiers: ClinVar variation 2179697 (VCV002179697.1), dbSNP rs1244725161, ClinGen allele CA352632820.